The following is an entry in ClinVar:

NM_001005361.3(DNM2):c.495C>T (p.Ser165=)

Gene: DNM2 (dynamin 2; plus strand). Cytogenetic location: 19p13.2.
Variant type: single nucleotide variant.
Coding change: c.495C>T on transcript NM_001005361.3 (MANE Select); coding-DNA position 495, C replaced by T.
Protein change: p.Ser165=; no amino-acid change (serine 165 retained).
Molecular consequence: synonymous variant.
Genome position (GRCh38, 1-based): chr19:10,775,812, C>T. VCF-style: chr19-10775812-C-T. GRCh37 (hg19) VCF-style: chr19-10886488-C-T.
Other names: c.495C>T, p.Ser165= (NM_001005360.3, NM_001005362.3, NM_001190716.2 and 1 more transcripts).
Identifiers: ClinVar variation 4875450 (VCV004875450.2).

ClinVar aggregate classification (germline): Likely benign (1 of 4 stars; one submission).

gnomAD v4.1: 3 of 1,614,160 alleles (0.00019%); highest among the groups gnomAD compares: Admixed American, 0.0017%; no homozygotes.

Submission:

CeGaT Center for Human Genetics Tuebingen
Classification: Likely benign. Last evaluated: 2026-06-01. Review status: criteria provided, single submitter. Criteria: CeGaT Center For Human Genetics Tuebingen Variant Classification Criteria Version 2. Collection method: clinical testing. Allele origin: germline. Affected: yes. Observed: 1 variant allele.
Comment: DNM2: BP4, BP7